The following is an entry in ClinVar:

NM_013275.6(ANKRD11):c.5981T>C (p.Phe1994Ser)

Gene: ANKRD11 (ankyrin repeat domain containing 11; minus strand). Cytogenetic location: 16q24.3.
Variant type: single nucleotide variant.
Coding change: c.5981T>C on transcript NM_013275.6 (MANE Select); coding-DNA position 5981, T replaced by C.
Protein change: p.Phe1994Ser; replaces phenylalanine 1994 with serine.
Molecular consequence: missense variant.
Genome position (GRCh38, 1-based): chr16:89,280,561, A>G on the plus strand (T>C on the coding strand, the complement: ANKRD11 is on the minus strand). VCF-style: chr16-89280561-A-G. GRCh37 (hg19) VCF-style: chr16-89346969-A-G.
Other names: c.5981T>C, p.Phe1994Ser (NM_001256182.2, NM_001256183.2); c.5981T>C (NM_013275.5); short protein forms F1994S.
Identifiers: ClinVar variation 1750848 (VCV001750848.3), dbSNP rs765328496, ClinGen allele CA8241650.

ClinVar aggregate classification (germline): Uncertain significance. Review status: criteria provided, multiple submitters, no conflicts (2 of 4 stars). 2 submissions from 2 submitters: Uncertain significance (2). Last evaluated 2024-05-10.

Conditions:
Inborn genetic diseases. Identifiers: MedGen C0950123, MeSH D030342.

Allele frequency attached by ClinVar (database versions not stated): TOPMed below 0.00001; ExAC 0.00001; gnomAD exomes 0.00001.
gnomAD v4.1: 4 of 1,613,198 alleles (0.00025%); highest among the groups gnomAD compares: Admixed American, 0.0067%; no homozygotes.

Submissions (2):

GeneDx
Classification: Uncertain significance. Last evaluated: 2024-05-10. Review status: criteria provided, single submitter. Criteria: GeneDx Variant Classification Process June 2021. Collection method: clinical testing. Allele origin: germline. Affected: yes.
Comment: In silico analysis indicates that this missense variant does not alter protein structure/function; Has not been previously published as pathogenic or benign to our knowledge

Ambry Genetics
Classification: Uncertain significance for Inborn genetic diseases. Last evaluated: 2019-06-06. Review status: criteria provided, single submitter. Criteria: Ambry Variant Classification Scheme 2023. Collection method: clinical testing. Allele origin: germline.
Comment: The p.F1994S variant (also known as c.5981T>C), located in coding exon 7 of the ANKRD11 gene, results from a T to C substitution at nucleotide position 5981. The phenylalanine at codon 1994 is replaced by serine, an amino acid with highly dissimilar properties. This amino acid position is well conserved in available vertebrate species. In addition, this alteration is predicted to be tolerated by in silico analysis. Since supporting evidence is limited at this time, the clinical significance of this alteration remains unclear.